The following is an entry in ClinVar:

ClinVar aggregate classification (germline): Benign/Likely benign. Review status: criteria provided, multiple submitters, no conflicts (2 of 4 stars). 4 submissions from 4 submitters: Benign (1); Likely benign (3). Last evaluated 2026-01-26.

Conditions:
Wolfram syndrome 1 (WFS1). Identifiers: Orphanet 3463, MedGen C4551693, MONDO:0009101, OMIM 222300.

Allele frequency attached by ClinVar (database versions not stated): ExAC 0.00003; gnomAD exomes 0.00003 and 0.00004; gnomAD 0.00007 and 0.00009; ESP Exome Variant Server 0.00008; TOPMed 0.00011.
gnomAD v4.1: 76 of 1,613,074 alleles (0.0047%); highest among the groups gnomAD compares: Admixed American, 0.012%; no homozygotes.

Submissions (4):

Labcorp Genetics (formerly Invitae), Labcorp
Classification: Likely benign. Last evaluated: 2026-01-26. Review status: criteria provided, single submitter. Criteria: Invitae Variant Classification Sherloc (09022015). Collection method: clinical testing. Allele origin: germline.

Blueprint Genetics
Classification: Likely benign. Last evaluated: 2024-07-17. Review status: criteria provided, single submitter. Criteria: ACMG Guidelines, 2015. Collection method: clinical testing. Allele origin: germline.

GeneDx
Classification: Likely benign. Last evaluated: 2020-04-02. Review status: criteria provided, single submitter. Criteria: GeneDx Variant Classification Process June 2021. Collection method: clinical testing. Allele origin: germline. Affected: yes.

Clinical Genomics, Uppaluri K&H Personalized Medicine Clinic
Classification: Benign for Wolfram syndrome 1. Review status: criteria provided, single submitter. Criteria: K & H Uppaluri Personalized Medicine Clinic Variant Classification & Assertion Criteria_Updated V.1. Collection method: research. Allele origin: unknown. Inheritance: Autosomal recessive inheritance.
Comment: Potent mutations in WFS1 gene are associated with Wolfram's syndrome, an autosomal recessive condition, which cause diabetes mellitus, diabetes insipidus, deafness and optic atrophy.However no sufficient evidence is found to ascertain the role of this particular variant rs370347920 in Wolfram's syndrome yet.

Literature cited by the submitters: PubMed 20738327 (cited by Clinical Genomics, Uppaluri K&H Personalized Medicine Clinic); PubMed 33879153 (cited by Clinical Genomics, Uppaluri K&H Personalized Medicine Clinic); PubMed 12955714 (cited by Clinical Genomics, Uppaluri K&H Personalized Medicine Clinic); PubMed 18060660 (cited by Clinical Genomics, Uppaluri K&H Personalized Medicine Clinic); PubMed 20301750 (cited by Clinical Genomics, Uppaluri K&H Personalized Medicine Clinic); PubMed 17603484 (cited by Clinical Genomics, Uppaluri K&H Personalized Medicine Clinic).

NM_006005.3(WFS1):c.2631C>T (p.Phe877=)

Gene: WFS1 (wolframin ER transmembrane glycoprotein; plus strand). Cytogenetic location: 4p16.1.
Variant type: single nucleotide variant.
Coding change: c.2631C>T on transcript NM_006005.3 (MANE Select); coding-DNA position 2631, C replaced by T.
Protein change: p.Phe877=; no amino-acid change (phenylalanine 877 retained).
Molecular consequence: synonymous variant.
Genome position (GRCh38, 1-based): chr4:6,302,426, C>T. VCF-style: chr4-6302426-C-T. GRCh37 (hg19) VCF-style: chr4-6304153-C-T.
Other names: c.2631C>T, p.Phe877= (NM_001145853.1).
Identifiers: ClinVar variation 771581 (VCV000771581.13), dbSNP rs370347920, ClinGen allele CA2839813.